The following is an entry in ClinVar:

NM_182746.3(MCM4):c.2482C>T (p.Arg828Trp)

Gene: MCM4 (minichromosome maintenance complex component 4; plus strand). Cytogenetic location: 8q11.21.
Variant type: single nucleotide variant.
Coding change: c.2482C>T on transcript NM_182746.3 (MANE Select); coding-DNA position 2482, C replaced by T.
Protein change: p.Arg828Trp; replaces arginine 828 with tryptophan.
Molecular consequence: missense variant.
Genome position (GRCh38, 1-based): chr8:47,975,831, C>T. VCF-style: chr8-47975831-C-T. GRCh37 (hg19) VCF-style: chr8-48888391-C-T.
Other names: c.2482C>T, p.Arg828Trp (NM_005914.4); c.2482C>T (NM_005914.3); short protein forms R828W.
Identifiers: ClinVar variation 1400448 (VCV001400448.9), dbSNP rs757711165, ClinGen allele CA4742925.

ClinVar aggregate classification (germline): Uncertain significance. Review status: criteria provided, multiple submitters, no conflicts (2 of 4 stars). 2 submissions from 2 submitters: Uncertain significance (2). Last evaluated 2025-12-10.

Allele frequency attached by ClinVar (database versions not stated): gnomAD 0.00001; ExAC 0.00002; gnomAD exomes 0.00002; TOPMed 0.00002.

Submissions (2):

Labcorp Genetics (formerly Invitae), Labcorp
Classification: Uncertain significance. Last evaluated: 2025-12-10. Review status: criteria provided, single submitter. Criteria: Invitae Variant Classification Sherloc (09022015). Collection method: clinical testing. Allele origin: germline.
Comment: This sequence change replaces arginine, which is basic and polar, with tryptophan, which is neutral and slightly polar, at codon 828 of the MCM4 protein (p.Arg828Trp). This variant is present in population databases (rs757711165, gnomAD 0.005%). This variant has not been reported in the literature in individuals affected with MCM4-related conditions. ClinVar contains an entry for this variant (Variation ID: 1400448). Invitae Evidence Modeling of protein sequence and biophysical properties (such as structural, functional, and spatial information, amino acid conservation, physicochemical variation, residue mobility, and thermodynamic stability) indicates that this missense variant is expected to disrupt MCM4 protein function with a positive predictive value of 80%. In summary, the available evidence is currently insufficient to determine the role of this variant in disease. Therefore, it has been classified as a Variant of Uncertain Significance.

Ambry Genetics
Classification: Uncertain significance. Last evaluated: 2024-03-04. Review status: criteria provided, single submitter. Criteria: Ambry Variant Classification Scheme 2023. Collection method: clinical testing. Allele origin: germline.